The following is an entry in ClinVar:

NM_033056.4(PCDH15):c.5338C>A (p.Pro1780Thr)

Gene: PCDH15 (protocadherin related 15; minus strand). Cytogenetic location: 10q21.1.
Variant type: single nucleotide variant.
Coding change: c.5338C>A on transcript NM_033056.4 (MANE Plus Clinical); coding-DNA position 5338, C replaced by A.
Protein change: p.Pro1780Thr; replaces proline 1780 with threonine.
Molecular consequence: missense variant. On other transcripts: intron variant (8).
Genome position (GRCh38, 1-based): chr10:53,822,388, G>T on the plus strand (C>A on the coding strand, the complement: PCDH15 is on the minus strand). VCF-style: chr10-53822388-G-T. GRCh37 (hg19) VCF-style: chr10-55582148-G-T.
Other names: c.5359C>A, p.Pro1787Thr (NM_001142763.2); c.5344C>A, p.Pro1782Thr (NM_001142764.2); c.5131C>A, p.Pro1711Thr (NM_001142765.2); c.5329C>A, p.Pro1777Thr (NM_001142766.2); c.5218C>A, p.Pro1740Thr (NM_001142767.2); c.5278C>A, p.Pro1760Thr (NM_001142768.2); c.5269C>A, p.Pro1757Thr (NM_001142773.2); c.5272C>A, p.Pro1758Thr (NM_001354404.2); and 7 more; short protein forms P1758T, P1757T, P1740T, P1782T, P1787T, P1711T, P1760T, P1777T.
Identifiers: ClinVar variation 1905039 (VCV001905039.3), dbSNP rs751914445, ClinGen allele CA5505066.

ClinVar aggregate classification (germline): Uncertain significance (1 of 4 stars; one submission).

Allele frequency attached by ClinVar (database versions not stated): ExAC 0.00009.
gnomAD v4.1: 29 of 1,571,420 alleles (0.0018%); highest among the groups gnomAD compares: South Asian, 0.029%; no homozygotes.

Submission:

Labcorp Genetics (formerly Invitae), Labcorp
Classification: Uncertain significance. Last evaluated: 2024-12-16. Review status: criteria provided, single submitter. Criteria: Invitae Variant Classification Sherloc (09022015). Collection method: clinical testing. Allele origin: germline.
Comment: This sequence change replaces proline, which is neutral and non-polar, with threonine, which is neutral and polar, at codon 1780 of the PCDH15 protein (p.Pro1780Thr). This variant is present in population databases (rs751914445, gnomAD 0.02%). This variant has not been reported in the literature in individuals affected with PCDH15-related conditions. ClinVar contains an entry for this variant (Variation ID: 1905039). Invitae Evidence Modeling of protein sequence and biophysical properties (such as structural, functional, and spatial information, amino acid conservation, physicochemical variation, residue mobility, and thermodynamic stability) indicates that this missense variant is not expected to disrupt PCDH15 protein function with a negative predictive value of 95%. In summary, the available evidence is currently insufficient to determine the role of this variant in disease. Therefore, it has been classified as a Variant of Uncertain Significance.